The following is an entry in ClinVar:

NM_000817.3(GAD1):c.1473T>C (p.Tyr491=)

Gene: GAD1 (glutamate decarboxylase 1; plus strand). Cytogenetic location: 2q31.1.
Variant type: single nucleotide variant.
Coding change: c.1473T>C on transcript NM_000817.3 (MANE Select); coding-DNA position 1473, T replaced by C.
Protein change: p.Tyr491=; no amino-acid change (tyrosine 491 retained).
Molecular consequence: synonymous variant.
Genome position (GRCh38, 1-based): chr2:170,857,077, T>C. VCF-style: chr2-170857077-T-C. GRCh37 (hg19) VCF-style: chr2-171713587-T-C.
Identifiers: ClinVar variation 332240 (VCV000332240.49), dbSNP rs146199288, ClinGen allele CA1962961.

ClinVar aggregate classification (germline): Benign/Likely benign. Review status: criteria provided, multiple submitters, no conflicts (2 of 4 stars). 5 submissions from 5 submitters: Benign (1); Likely benign (3). 1 of the submissions does not count toward it. Last evaluated 2026-03-01.

Conditions:
Neurodevelopmental disorder with progressive spasticity and brain white matter abnormalities. Also called: CEREBRAL PALSY, SPASTIC QUADRIPLEGIC, 1. Identifiers: Orphanet 210141, Orphanet 641353, MedGen C5436628, MONDO:0033613, OMIM 619026.
GAD1-related disorder. Also called: GAD1-related condition.

Allele frequency attached by ClinVar (database versions not stated): gnomAD exomes 0.00148 and 0.00194; TOPMed 0.00148; ESP Exome Variant Server 0.00154; ExAC 0.00161; gnomAD 0.00161 and 0.00168.
gnomAD v4.1: 3,049 of 1,613,868 alleles (0.19%); highest among the groups gnomAD compares: Non-Finnish European, 0.23%; 8 homozygotes.

Submissions (5):

CeGaT Center for Human Genetics Tuebingen
Classification: Likely benign. Last evaluated: 2026-03-01. Review status: criteria provided, single submitter. Criteria: CeGaT Center For Human Genetics Tuebingen Variant Classification Criteria Version 2. Collection method: clinical testing. Allele origin: germline. Affected: yes. Observed: 11 variant alleles.
Comment: GAD1: BP4, BP7

Labcorp Genetics (formerly Invitae), Labcorp
Classification: Benign for Neurodevelopmental disorder with progressive spasticity and brain white matter abnormalities. Last evaluated: 2026-01-15. Review status: criteria provided, single submitter. Criteria: Invitae Variant Classification Sherloc (09022015). Collection method: clinical testing. Allele origin: germline.

Illumina Laboratory Services, Illumina
Classification: Likely benign. Last evaluated: 2018-01-12. Review status: criteria provided, single submitter. Criteria: ICSL Variant Classification Criteria 13 December 2019. Collection method: clinical testing. Allele origin: germline.
Comment: This variant was observed in the ICSL laboratory as part of a predisposition screen in an ostensibly healthy population. It had not been previously curated by ICSL or reported in the Human Gene Mutation Database (HGMD: prior to June 1st, 2018), and was therefore a candidate for classification through an automated scoring system. Utilizing variant allele frequency, disease prevalence and penetrance estimates, and inheritance mode, an automated score was calculated to assess if this variant is too frequent to cause the disease. Based on the score and internal cut-off values, a variant classified as likely benign is not then subjected to further curation. The score for this variant resulted in a classification of likely benign for this disease.

Breakthrough Genomics
Classification: Likely benign. Review status: criteria provided, single submitter. Criteria: ACMG Guidelines, 2015. Collection method: not provided. Allele origin: germline. Inheritance: Autosomal recessive inheritance. Affected: yes.

PreventionGenetics, part of Exact Sciences
Classification: Likely benign for GAD1-related condition. Last evaluated: 2019-06-20. Review status: no assertion criteria provided. Collection method: clinical testing. Allele origin: germline. Not counted in ClinVar's aggregate classification.
Comment: This variant is classified as likely benign based on ACMG/AMP sequence variant interpretation guidelines (Richards et al. 2015 PMID: 25741868, with internal and published modifications).